The following is an entry in ClinVar:

ClinVar aggregate classification (germline): Likely pathogenic (1 of 4 stars; one submission).

Conditions:
Bilateral frontoparietal polymicrogyria. Also called: CEREBELLAR ATAXIA WITH NEURONAL MIGRATION DEFECT; CORTICAL DYSPLASIA, COMPLEX, WITH OTHER BRAIN MALFORMATIONS 14A (BILATERAL FRONTOPARIETAL). Identifiers: Orphanet 101070, MedGen C1847352, MONDO:0011738, OMIM 606854.

Submission:

Natera, Inc.
Classification: Likely pathogenic for Bilateral frontoparietal polymicrogyria. Last evaluated: 2025-09-22. Review status: criteria provided, single submitter. Criteria: Natera Variant Classification Schema (03/2026). Collection method: clinical testing. Allele origin: germline.
Comment: The c.762del variant in ADGRG1 is a frameshift variant predicted to shift the reading frame beginning at codon 255 and leads to a stop codon 68 codons downstream. This variant is expected to result in nonsense mediated decay, truncation, or a dysfunctional protein product. This variant is rare in the general population with a frequency below the threshold expected for the associated phenotype(s). Given the available evidence, this variant is classified as Likely Pathogenic.

NM_201525.4(ADGRG1):c.762del (p.Gln255fs)

Gene: ADGRG1 (adhesion G protein-coupled receptor G1; plus strand). Cytogenetic location: 16q21.
Variant type: Deletion.
Coding change: c.762del on transcript NM_201525.4 (MANE Select); coding-DNA position 762, one base deleted (G; older notation c.762delG).
Protein change: p.Gln255fs; shifts the reading frame from glutamine 255.
Molecular consequence: frameshift variant.
Genome position (GRCh38, 1-based): chr16:57,654,127, G deleted; the last of 2 consecutive G bases (chr16:57,654,126-57,654,127); deleting either gives the same sequence. VCF-style (leftmost placement, unchanged base first): chr16-57654125-CG-C. GRCh37 (hg19) VCF-style: chr16-57688037-CG-C.
Other names: c.762del, p.Gln255fs (NM_001145770.3, NM_001370431.1, NM_001370432.1 and 16 more transcripts); c.777del, p.Gln260fs (NM_001370433.1, NM_001145773.3); c.606del, p.Gln203fs (NM_001370442.1); c.237del, p.Gln80fs (NM_001370451.1, NM_001370453.1, NM_001370454.1 and 2 more transcripts); c.252del, p.Gln85fs (NM_001290142.2); short protein forms Q203fs, Q255fs, Q260fs, Q80fs, Q85fs.
Identifiers: ClinVar variation 4815453 (VCV004815453.1).